The following is an entry in ClinVar:

ClinVar aggregate classification (germline): Uncertain significance (1 of 4 stars; one submission).

Conditions:
Inborn genetic diseases. Identifiers: MedGen C0950123, MeSH D030342.

Submission:

Ambry Genetics
Classification: Uncertain significance for Inborn genetic diseases. Last evaluated: 2023-02-19. Review status: criteria provided, single submitter. Criteria: Ambry Variant Classification Scheme 2023. Collection method: clinical testing. Allele origin: germline.
Comment: The p.E148V variant (also known as c.443A>T), located in coding exon 4 of the ATR gene, results from an A to T substitution at nucleotide position 443. The glutamic acid at codon 148 is replaced by valine, an amino acid with dissimilar properties. This amino acid position is conserved. In addition, the in silico prediction for this alteration is inconclusive. Since supporting evidence is limited at this time, the clinical significance of this alteration remains unclear.

NM_001184.4(ATR):c.443A>T (p.Glu148Val)

Gene: ATR (ATR checkpoint kinase; minus strand). Cytogenetic location: 3q23.
Variant type: single nucleotide variant.
Coding change: c.443A>T on transcript NM_001184.4 (MANE Select); coding-DNA position 443, A replaced by T.
Protein change: p.Glu148Val; replaces glutamic acid 148 with valine.
Molecular consequence: missense variant.
Genome position (GRCh38, 1-based): chr3:142,562,959, T>A on the plus strand (A>T on the coding strand, the complement: ATR is on the minus strand). VCF-style: chr3-142562959-T-A. GRCh37 (hg19) VCF-style: chr3-142281801-T-A.
Other names: c.443A>T, p.Glu148Val (NM_001354579.2); short protein forms E148V.
Identifiers: ClinVar variation 2453596 (VCV002453596.2), dbSNP rs2473429603, ClinGen allele CA354826956.